The following is an entry in ClinVar:

ClinVar aggregate classification (germline): Uncertain significance (1 of 4 stars; one submission).

Conditions:
Progressive sclerosing poliodystrophy (MTDPS4A). Also called: Mitochondrial DNA depletion syndrome 4A (Alpers type); ALPERS PROGRESSIVE INFANTILE POLIODYSTROPHY; NEURONAL DEGENERATION OF CHILDHOOD WITH LIVER DISEASE, PROGRESSIVE; Alpers Syndrome; ALPERS DIFFUSE DEGENERATION OF CEREBRAL GRAY MATTER WITH HEPATIC CIRRHOSIS; Alpers-Huttenlocher Syndrome. Identifiers: Orphanet 726, MedGen C0205710, MONDO:0008758, OMIM 203700.

Submission:

Labcorp Genetics (formerly Invitae), Labcorp
Classification: Uncertain significance for Progressive sclerosing poliodystrophy. Last evaluated: 2025-04-23. Review status: criteria provided, single submitter. Criteria: Invitae Variant Classification Sherloc (09022015). Collection method: clinical testing. Allele origin: germline.
Comment: This sequence change replaces lysine, which is basic and polar, with threonine, which is neutral and polar, at codon 1035 of the POLG protein (p.Lys1035Thr). This variant is not present in population databases (gnomAD no frequency). This variant has not been reported in the literature in individuals affected with POLG-related conditions. An algorithm developed to predict the effect of missense changes on protein structure and function (PolyPhen-2) suggests that this variant is likely to be disruptive. In summary, the available evidence is currently insufficient to determine the role of this variant in disease. Therefore, it has been classified as a Variant of Uncertain Significance.

NM_002693.3(POLG):c.3104A>C (p.Lys1035Thr)

Gene: POLG (DNA polymerase gamma, catalytic subunit; minus strand). Cytogenetic location: 15q26.1.
Variant type: single nucleotide variant.
Coding change: c.3104A>C on transcript NM_002693.3 (MANE Select); coding-DNA position 3104, A replaced by C.
Protein change: p.Lys1035Thr; replaces lysine 1035 with threonine.
Molecular consequence: missense variant.
Genome position (GRCh38, 1-based): chr15:89,319,228, T>G on the plus strand (A>C on the coding strand, the complement: POLG is on the minus strand). VCF-style: chr15-89319228-T-G. GRCh37 (hg19) VCF-style: chr15-89862459-T-G.
Other names: c.3104A>C, p.Lys1035Thr (NM_001126131.2); short protein forms K1035T.
Identifiers: ClinVar variation 4743312 (VCV004743312.1).